The following is an entry in ClinVar:

ClinVar aggregate classification (germline): Conflicting classifications of pathogenicity. Review status: criteria provided, conflicting classifications (1 of 4 stars). 2 submissions from 2 submitters: Uncertain significance (1); Likely benign (1). Last evaluated 2025-12-28.

Conditions:
Severe early-onset pulmonary alveolar proteinosis due to MARS deficiency. Also called: PULMONARY ALVEOLAR PROTEINOSIS, REUNION ISLAND; Interstitial lung and liver disease. Identifiers: Orphanet 440427, MedGen C4225400, MONDO:0014206, OMIM 615486.
Charcot-Marie-Tooth disease axonal type 2U. Also called: CHARCOT-MARIE-TOOTH NEUROPATHY, TYPE 2U; CHARCOT-MARIE-TOOTH DISEASE, AXONAL, AUTOSOMAL DOMINANT, TYPE 2U. Identifiers: Orphanet 397735, MedGen C4084821, MONDO:0014566, OMIM 616280.
MARS1-related disorder. Also called: MARS1-related condition.

gnomAD v4.1: 3 of 1,613,684 alleles (0.00019%); highest among the groups gnomAD compares: African/African-American, 0.004%; no homozygotes.

Submissions (2):

Labcorp Genetics (formerly Invitae), Labcorp
Classification: Uncertain significance for Charcot-Marie-Tooth disease axonal type 2U; Severe early-onset pulmonary alveolar proteinosis due to MARS deficiency. Last evaluated: 2025-12-28. Review status: criteria provided, single submitter. Criteria: Invitae Variant Classification Sherloc (09022015). Collection method: clinical testing. Allele origin: germline.
Comment: This sequence change falls in intron 9 of the MARS gene. It does not directly change the encoded amino acid sequence of the MARS protein. It affects a nucleotide within the consensus splice site. This variant is not present in population databases (gnomAD no frequency). This variant has not been reported in the literature in individuals affected with MARS-related conditions. Variants that disrupt the consensus splice site are a relatively common cause of aberrant splicing (PMID: 17576681, 9536098). Algorithms developed to predict the effect of sequence changes on RNA splicing suggest that this variant is not likely to affect RNA splicing. In summary, the available evidence is currently insufficient to determine the role of this variant in disease. Therefore, it has been classified as a Variant of Uncertain Significance.

PreventionGenetics, part of Exact Sciences
Classification: Likely benign for MARS1-related condition. Last evaluated: 2025-05-28. Review status: criteria provided, single submitter. Criteria: ACMG Guidelines, 2015. Collection method: clinical testing. Allele origin: germline.
Comment: This variant is classified as likely benign based on ACMG/AMP sequence variant interpretation guidelines (Richards et al. 2015 PMID: 25741868, with internal and published modifications).

Literature cited by the submitters: PubMed 17576681 (cited by Labcorp Genetics (formerly Invitae), Labcorp); PubMed 9536098 (cited by Labcorp Genetics (formerly Invitae), Labcorp).

NM_004990.4(MARS1):c.1091+4A>T

Gene: MARS1 (methionyl-tRNA synthetase 1; plus strand). Cytogenetic location: 12q13.3.
Variant type: single nucleotide variant.
Coding change: c.1091+4A>T on transcript NM_004990.4 (MANE Select); 4 bases into the intron after coding-DNA position 1091, A replaced by T.
Molecular consequence: intron variant.
Genome position (GRCh38, 1-based): chr12:57,498,627, A>T. VCF-style: chr12-57498627-A-T. GRCh37 (hg19) VCF-style: chr12-57892410-A-T.
Other names: c.1091+4A>T (NM_004990.3).
Identifiers: ClinVar variation 4788491 (VCV004788491.2).
Genomic context (GRCh38, chr12:57,498,627, plus strand): 5'-CTGGTTTAACATTTCGTTTGATATTTTTGGTCGCACCACCACTCCACAGCAGACCAAGTA[A>T]GTTTCCTCTAATGAGGCAGAAATGGGGCTTGAAGGCTGAGACTGGGAACAGTGGGAGTAT-3'